The following is an entry in ClinVar:

NM_152743.4(BRAT1):c.1771-32C>T

Gene: BRAT1 (BRCA1 associated ATM activator 1; minus strand). Cytogenetic location: 7p22.3.
Variant type: single nucleotide variant.
Coding change: c.1771-32C>T on transcript NM_152743.4 (MANE Select); 32 bases into the intron before coding-DNA position 1771, C replaced by T.
Molecular consequence: intron variant. On other transcripts: missense variant (1).
Genome position (GRCh38, 1-based): chr7:2,538,796, G>A on the plus strand (C>T on the coding strand, the complement: BRAT1 is on the minus strand). VCF-style: chr7-2538796-G-A. GRCh37 (hg19) VCF-style: chr7-2578430-G-A.
Other names: c.1919C>T, p.Thr640Ile (NM_001350626.2); c.1246-32C>T (NM_001350627.2); short protein forms T640I.
Identifiers: ClinVar variation 1806003 (VCV001806003.1), dbSNP rs753283767, ClinGen allele CA4127576.

ClinVar aggregate classification (germline): Uncertain significance (1 of 4 stars; one submission).

Conditions:
Neurodevelopmental disorder with cerebellar atrophy and with or without seizures. Identifiers: MedGen C4748032, MONDO:0020841, OMIM 618056.

Allele frequency attached by ClinVar (database versions not stated): ExAC 0.00002; gnomAD 0.00005; TOPMed 0.00005; gnomAD exomes 0.00011.
gnomAD v4.1: 172 of 1,596,742 alleles (0.011%); highest among the groups gnomAD compares: Non-Finnish European, 0.013%; no homozygotes.

Submission:

Victorian Clinical Genetics Services, Murdoch Childrens Research Institute
Classification: Uncertain significance for Neurodevelopmental disorder with cerebellar atrophy and with or without seizures. Last evaluated: 2020-05-26. Review status: criteria provided, single submitter. Criteria: ACMG Guidelines, 2015. Collection method: clinical testing. Allele origin: germline. Inheritance: Autosomal recessive inheritance. Affected: yes.
Comment: Based on the classification scheme VCGS_Germline_v1.1.1, this variant is classified as 3B-VUS. Following criteria are met: 0102 - Loss-of-function is a known mechanism of disease for this gene. (N) 0106 - This gene is known to be associated with autosomal recessive disease. (N) 0200 - Variant is predicted to result in a missense amino acid change from threonine to isoleucine (exon 14). (N) 0251 - Variant is heterozygous. (N) 0304 - Variant is present in gnomAD <0.01 for a recessive condition (8 heterozygotes, 0 homozygotes) (P) 0309 - An alternative amino acid change at the same position has been observed in gnomAD (1 heterozygote, 0 homozygotes). (N) 0502 - Missense variant with conflicting in silico predictions and/or uninformative conservation. (N) 0604 - Variant is not located in an established domain, motif, hotspot or informative constraint region. (N) 0705 - No comparable variants have previous evidence for pathogenicity. (N) 0807 - Variant has not previously been reported in a clinical context. (N) 0905 - No segregation evidence has been identified for this variant. (N) 1007 - No published functional evidence has been identified for this variant. (N) 1208 - Inheritance information for this variant is not currently available. (N) Legend: (P) - Pathogenic, (N) - Neutral, (B) - Benign